The following is an entry in ClinVar:

ClinVar aggregate classification (germline): Uncertain significance (1 of 4 stars; one submission).

Conditions:
Granulomatous disease, chronic, X-linked. Also called: CYTOCHROME b-NEGATIVE GRANULOMATOUS DISEASE, CHRONIC, X-LINKED; GRANULOMATOUS DISEASE, CHRONIC, X-LINKED, SOMATIC MOSAIC. Identifiers: Orphanet 379, MedGen C1844376, MONDO:0010600, OMIM 306400.

Submission:

Labcorp Genetics (formerly Invitae), Labcorp
Classification: Uncertain significance for Granulomatous disease, chronic, X-linked. Last evaluated: 2024-12-13. Review status: criteria provided, single submitter. Criteria: Invitae Variant Classification Sherloc (09022015). Collection method: clinical testing. Allele origin: germline.
Comment: This variant, c.544_591dup, results in the insertion of 16 amino acid(s) of the CYBB protein (p.Ile182_Ile197dup), but otherwise preserves the integrity of the reading frame. This variant is not present in population databases (gnomAD no frequency). This variant has not been reported in the literature in individuals affected with CYBB-related conditions. In summary, the available evidence is currently insufficient to determine the role of this variant in disease. Therefore, it has been classified as a Variant of Uncertain Significance.

NM_000397.4(CYBB):c.544_591dup (p.Ile197_Arg198insIleThrLeuCysLeuIleLeuIleIleThrSerSerThrLysThrIle)

Gene: CYBB (cytochrome b-245 beta chain; plus strand). Cytogenetic location: Xp21.1.
Variant type: Duplication.
Coding change: c.544_591dup on transcript NM_000397.4 (MANE Select); coding-DNA positions 544 to 591, 48 bases duplicated.
Protein change: p.Ile197_Arg198insIleThrLeuCysLeuIleLeuIleIleThrSerSerThrLysThrIle.
Genome position (GRCh38, 1-based): chrX:37,796,011-37,796,058, 48 bases duplicated; duplicating any 48 consecutive bases within chrX:37,796,009-37,796,058 gives the same sequence; the c. name uses the placement nearest the transcript's 3' end. GRCh37 (hg19): chrX:37,655,264-37,655,311.
Identifiers: ClinVar variation 3727259 (VCV003727259.2).